The following is an entry in ClinVar:

NM_000391.4(TPP1):c.688-7T>A

Gene: TPP1 (tripeptidyl peptidase 1; minus strand). Cytogenetic location: 11p15.4.
Variant type: single nucleotide variant.
Coding change: c.688-7T>A on transcript NM_000391.4 (MANE Select); 7 bases into the intron before coding-DNA position 688, T replaced by A.
Molecular consequence: intron variant.
Genome position (GRCh38, 1-based): chr11:6,616,866, A>T on the plus strand (T>A on the coding strand, the complement: TPP1 is on the minus strand). VCF-style: chr11-6616866-A-T. GRCh37 (hg19) VCF-style: chr11-6638097-A-T.
Identifiers: ClinVar variation 207553 (VCV000207553.21), dbSNP rs375262484, ClinGen allele CA319136.
Genomic context (GRCh38, chr11:6,616,866, plus strand): 5'-GAAGAGGCGCATGAACTGAGCCAGGTCTGAGTCATGGAAATACTGCTCCAGGAACTATGG[A>T]GGGAGTCAGAGCAGAGATCGTGGGTCCGAGGGTGAGTCCCAGGGTGGTAAGGAATTGAGG-3'

ClinVar aggregate classification (germline): Benign/Likely benign. Review status: criteria provided, multiple submitters, no conflicts (2 of 4 stars). 5 submissions from 5 submitters: Benign (2); Likely benign (3). Last evaluated 2026-01-31.

Allele frequency attached by ClinVar (database versions not stated): gnomAD exomes 0.00014 and 0.00043; ExAC 0.00060; 1000 Genomes Project 0.00080; 1000 Genomes Project 30x 0.00109; gnomAD 0.00175 and 0.00194; ESP Exome Variant Server 0.00192; TOPMed 0.00193.
gnomAD v4.1: 467 of 1,613,918 alleles (0.029%); highest among the groups gnomAD compares: African/African-American, 0.59%; 1 homozygote.

Submissions (7):

Labcorp Genetics (formerly Invitae), Labcorp
Classification: Benign. Last evaluated: 2026-01-31. Review status: criteria provided, single submitter. Criteria: Invitae Variant Classification Sherloc (09022015). Collection method: clinical testing. Allele origin: germline.

Women's Health and Genetics/Laboratory Corporation of America, LabCorp
Classification: Benign. Last evaluated: 2025-01-13. Review status: criteria provided, single submitter. Criteria: LabCorp Variant Classification Summary - May 2015. Collection method: clinical testing. Allele origin: germline.
Comment: Variant summary: TPP1 c.688-7T>A alters a nucleotide located close to a canonical splice site and therefore could affect mRNA splicing, leading to a significantly altered protein sequence. Several computational tools predict a significant impact on normal splicing: Three predict the variant weakens a 3' acceptor site. However, these predictions have yet to be confirmed by functional studies. The variant allele was found at a frequency of 0.00043 in 251330 control chromosomes, predominantly at a frequency of 0.0063 within the African or African-American subpopulation in the gnomAD database, including 1 homozygote. The observed variant frequency within African or African-American control individuals in the gnomAD database is approximately 5.63 fold of the estimated maximal expected allele frequency for a pathogenic variant in TPP1 causing Neuronal ceroid lipofuscinosis 2 phenotype (0.0011). To our knowledge, no occurrence of c.688-7T>A in individuals affected with Neuronal ceroid lipofuscinosis 2 and no experimental evidence demonstrating its impact on protein function have been reported. ClinVar contains an entry for this variant (Variation ID: 207553). Based on the evidence outlined above, the variant was classified as benign.

Blueprint Genetics
Classification: Likely benign. Last evaluated: 2024-11-27. Review status: criteria provided, single submitter. Criteria: ACMG Guidelines, 2015. Collection method: clinical testing. Allele origin: germline.

GeneDx
Classification: Likely benign. Last evaluated: 2020-11-14. Review status: criteria provided, single submitter. Criteria: GeneDx Variant Classification Process June 2021. Collection method: clinical testing. Allele origin: germline. Affected: yes.

Eurofins Ntd Llc (ga)
Classification: Likely benign. Last evaluated: 2017-05-23. Review status: criteria provided, single submitter. Criteria: EGL Classification Definitions 2015. Collection method: clinical testing. Allele origin: germline. Observed: 1 variant allele, 1 heterozygote.

Dr. Peter K. Rogan Lab, Western University
No classification provided (evidence only). Condition: Familial cancer of breast. Review status: no classification provided. Collection method: in vitro. Allele origin: not applicable. Functional consequence: retained intron. Not counted in ClinVar's aggregate classification.

Dr. Peter K. Rogan Lab, Western University
No classification provided (evidence only). Condition: Gastric cancer. Review status: no classification provided. Collection method: in vitro. Allele origin: not applicable. Functional consequence: retained intron. Not counted in ClinVar's aggregate classification.